The following is an entry in ClinVar:

NM_130839.5(UBE3A):c.819A>G (p.Val273=)

Genes: SNHG14 (small nucleolar RNA host gene 14; plus strand), UBE3A (ubiquitin protein ligase E3A; minus strand). Cytogenetic location: 15q11.2.
Variant type: single nucleotide variant.
Coding change: c.819A>G on transcript NM_130839.5 (MANE Select); coding-DNA position 819, A replaced by G.
Protein change: p.Val273=; no amino-acid change (valine 273 retained).
Molecular consequence: synonymous variant. On other transcripts: non-coding transcript variant (1), intron variant (2).
Genome position (GRCh38, 1-based): chr15:25,371,355, T>C on the plus strand (A>G on the coding strand, the complement: UBE3A is on the minus strand). VCF-style: chr15-25371355-T-C. GRCh37 (hg19) VCF-style: chr15-25616502-T-C.
Other names: c.828A>G, p.Val276= (NM_000462.5); c.819A>G, p.Val273= (NM_001354505.1, NM_001354538.2, NM_001354545.2); c.759A>G, p.Val253= (NM_001354506.2, NM_001354507.2, NM_001354508.2 and 17 more transcripts); c.642A>G, p.Val214= (NM_001354546.2); c.301+4110A>G (NM_001354551.2); c.361+4110A>G (NM_001354550.2).
Identifiers: ClinVar variation 1456872 (VCV001456872.31), dbSNP rs370294710, ClinGen allele CA7435586.
Genomic context (GRCh38, chr15:25,371,355, plus strand): 5'-GAGATTTCTATTCTCCATTACGATAATGAACAAATTCAGATAATTAGGATCTCGAGAGTA[T>C]ACATTGTGATACGTCAAGTCACATTCCACGTTAGGTGACAAATATACAAGTGCATTGAGA-3'
Protein context (NP_570854.1, residues 263-283): NVECDLTYHN[Val273=]YSRDPNYLNL

ClinVar aggregate classification (germline): Likely benign. Review status: criteria provided, multiple submitters, no conflicts (2 of 4 stars). 2 submissions from 2 submitters: Likely benign (2). Last evaluated 2025-01-01.

Conditions:
Angelman syndrome (AS). Also called: HAPPY PUPPET SYNDROME. Identifiers: Orphanet 72, MedGen C0162635, MONDO:0007113, OMIM 105830. Disease mechanism: loss of function. Inheritance: AS is caused by disruption of maternally imprinted UBE3A located within the 15q11.2-q13 Angelman syndrome/Prader-Willi syndrome (AS/PWS) region., imprinting disorder.

Allele frequency attached by ClinVar (database versions not stated): gnomAD 0.00001 and 0.00002; gnomAD exomes 0.00002 and 0.00005; TOPMed 0.00002; ExAC 0.00007; ESP Exome Variant Server 0.00008.
gnomAD v4.1: 35 of 1,613,996 alleles (0.0022%); highest among the groups gnomAD compares: South Asian, 0.035%; no homozygotes.

Submissions (2):

CeGaT Center for Human Genetics Tuebingen
Classification: Likely benign. Last evaluated: 2025-01-01. Review status: criteria provided, single submitter. Criteria: CeGaT Center For Human Genetics Tuebingen Variant Classification Criteria Version 2. Collection method: clinical testing. Allele origin: germline. Affected: yes. Observed: 2 variant alleles.
Comment: UBE3A: BP4, BP7

Labcorp Genetics (formerly Invitae), Labcorp
Classification: Likely benign for Angelman syndrome. Last evaluated: 2023-10-28. Review status: criteria provided, single submitter. Criteria: Invitae Variant Classification Sherloc (09022015). Collection method: clinical testing. Allele origin: germline.